The following is an entry in ClinVar:

NM_001377229.1(DISP1):c.3395G>A (p.Arg1132Gln)

Gene: DISP1 (dispatched RND transporter family member 1; plus strand). Cytogenetic location: 1q41.
Variant type: single nucleotide variant.
Coding change: c.3395G>A on transcript NM_001377229.1 (MANE Select); coding-DNA position 3395, G replaced by A.
Protein change: p.Arg1132Gln; replaces arginine 1132 with glutamine.
Molecular consequence: missense variant.
Genome position (GRCh38, 1-based): chr1:223,004,792, G>A. VCF-style: chr1-223004792-G-A. GRCh37 (hg19) VCF-style: chr1-223178134-G-A.
Other names: c.2666G>A, p.Arg889Gln (NM_001350630.2); c.3395G>A, p.Arg1132Gln (NM_001369594.1, NM_001377228.1, NM_032890.5); short protein forms R1132Q, R889Q.
Identifiers: ClinVar variation 2060914 (VCV002060914.6), dbSNP rs143043410, ClinGen allele CA1409405.

ClinVar aggregate classification (germline): Likely benign. Review status: criteria provided, single submitter (1 of 4 stars). 2 submissions from 2 submitters: Likely benign (1). 1 of the submissions does not count toward it. Last evaluated 2024-09-27.

Conditions:
DISP1-related disorder. Also called: DISP1-related condition.

Allele frequency attached by ClinVar (database versions not stated): ESP Exome Variant Server 0.00215; TOPMed 0.00161; gnomAD 0.00168; 1000 Genomes Project 30x 0.00297; 1000 Genomes Project 0.00260; ExAC 0.00051.
gnomAD v4.1: 463 of 1,612,556 alleles (0.029%); highest among the groups gnomAD compares: African/African-American, 0.55%; 2 homozygotes.

Submissions (2):

Labcorp Genetics (formerly Invitae), Labcorp
Classification: Likely benign. Last evaluated: 2024-09-27. Review status: criteria provided, single submitter. Criteria: Invitae Variant Classification Sherloc (09022015). Collection method: clinical testing. Allele origin: germline.

PreventionGenetics, part of Exact Sciences
Classification: Likely benign for DISP1-related condition. Last evaluated: 2019-08-28. Review status: no assertion criteria provided. Collection method: clinical testing. Allele origin: germline. Not counted in ClinVar's aggregate classification.
Comment: This variant is classified as likely benign based on ACMG/AMP sequence variant interpretation guidelines (Richards et al. 2015 PMID: 25741868, with internal and published modifications).